The following is an entry in ClinVar:

ClinVar aggregate classification (germline): Uncertain significance (1 of 4 stars; one submission).

gnomAD v4.1: 26 of 1,610,746 alleles (0.0016%); highest among the groups gnomAD compares: Non-Finnish European, 0.002%; no homozygotes.

Submission:

Labcorp Genetics (formerly Invitae), Labcorp
Classification: Uncertain significance. Last evaluated: 2025-09-14. Review status: criteria provided, single submitter. Criteria: Invitae Variant Classification Sherloc (09022015). Collection method: clinical testing. Allele origin: germline.
Comment: This sequence change affects codon 869 of the ENPP1 mRNA. It is a 'silent' change, meaning that it does not change the encoded amino acid sequence of the ENPP1 protein. This variant also falls at the last nucleotide of exon 24, which is part of the consensus splice site for this exon. This variant is present in population databases (rs573774284, gnomAD 0.007%). This variant has not been reported in the literature in individuals affected with ENPP1-related conditions. Variants that disrupt the consensus splice site are a relatively common cause of aberrant splicing (PMID: 17576681, 9536098). Algorithms developed to predict the effect of sequence changes on RNA splicing suggest that this variant is not likely to affect RNA splicing. In summary, the available evidence is currently insufficient to determine the role of this variant in disease. Therefore, it has been classified as a Variant of Uncertain Significance.

Literature cited by the submitters: PubMed 17576681; PubMed 9536098.

NM_006208.3(ENPP1):c.2607G>A (p.Val869=)

Gene: ENPP1 (ectonucleotide pyrophosphatase/phosphodiesterase 1; plus strand). Cytogenetic location: 6q23.2.
Variant type: single nucleotide variant.
Coding change: c.2607G>A on transcript NM_006208.3 (MANE Select); coding-DNA position 2607, G replaced by A.
Protein change: p.Val869=; no amino-acid change (valine 869 retained).
Molecular consequence: synonymous variant.
Genome position (GRCh38, 1-based): chr6:131,886,724, G>A. VCF-style: chr6-131886724-G-A. GRCh37 (hg19) VCF-style: chr6-132207864-G-A.
Identifiers: ClinVar variation 4808945 (VCV004808945.1).